The following is an entry in ClinVar:

ClinVar aggregate classification (germline): Uncertain significance (1 of 4 stars; one submission).

Allele frequency attached by ClinVar (database versions not stated): gnomAD 0.00001; TOPMed 0.00002.
gnomAD v4.1: 9 of 1,613,902 alleles (0.00056%); highest among the groups gnomAD compares: African/African-American, 0.0027%; no homozygotes.

Submission:

Labcorp Genetics (formerly Invitae), Labcorp
Classification: Uncertain significance. Last evaluated: 2022-04-21. Review status: criteria provided, single submitter. Criteria: Invitae Variant Classification Sherloc (09022015). Collection method: clinical testing. Allele origin: germline.
Comment: Algorithms developed to predict the effect of missense changes on protein structure and function are either unavailable or do not agree on the potential impact of this missense change (SIFT: "Deleterious"; PolyPhen-2: "Possibly Damaging"; Align-GVGD: "Class C0"). This sequence change replaces valine, which is neutral and non-polar, with glycine, which is neutral and non-polar, at codon 1851 of the CHD8 protein (p.Val1851Gly). This variant is present in population databases (no rsID available, gnomAD 0.01%). This variant has not been reported in the literature in individuals affected with CHD8-related conditions. In summary, the available evidence is currently insufficient to determine the role of this variant in disease. Therefore, it has been classified as a Variant of Uncertain Significance.

NM_001170629.2(CHD8):c.5552T>G (p.Val1851Gly)

Gene: CHD8 (chromodomain helicase DNA binding protein 8; minus strand). Cytogenetic location: 14q11.2.
Variant type: single nucleotide variant.
Coding change: c.5552T>G on transcript NM_001170629.2 (MANE Select); coding-DNA position 5552, T replaced by G.
Protein change: p.Val1851Gly; replaces valine 1851 with glycine.
Molecular consequence: missense variant.
Genome position (GRCh38, 1-based): chr14:21,394,324, A>C on the plus strand (T>G on the coding strand, the complement: CHD8 is on the minus strand). VCF-style: chr14-21394324-A-C. GRCh37 (hg19) VCF-style: chr14-21862483-A-C.
Other names: c.4715T>G, p.Val1572Gly (NM_020920.4); short protein forms V1851G, V1572G.
Identifiers: ClinVar variation 2157066 (VCV002157066.4), dbSNP rs1462738501, ClinGen allele CA388882906.
Genomic context (GRCh38, chr14:21,394,324, plus strand): 5'-CAATCTTGCTTACCATCTCCAGCTGCTGGGGGAAGGCGGCATACTTGGCGGCACATGGCC[A>C]CAAAGCCATGGAAGTACTTGGTAAGGCTTTCATCTGTCTTTTTGTCTAGTCGAGCAAAAG-3'
Protein context (NP_001164100.1, residues 1841-1861): ESLTKYFHGF[Val1851Gly]AMCRQVCRLP